The following is an entry in ClinVar:

NM_001379180.1(ESRRB):c.79A>G (p.Arg27Gly)

Gene: ESRRB (estrogen related receptor beta; plus strand). Cytogenetic location: 14q24.3.
Variant type: single nucleotide variant.
Coding change: c.79A>G on transcript NM_001379180.1 (MANE Select); coding-DNA position 79, A replaced by G.
Protein change: p.Arg27Gly; replaces arginine 27 with glycine.
Molecular consequence: missense variant.
Genome position (GRCh38, 1-based): chr14:76,439,369, A>G. VCF-style: chr14-76439369-A-G. GRCh37 (hg19) VCF-style: chr14-76905712-A-G.
Other names: c.16A>G, p.Arg6Gly (NM_004452.4); short protein forms R6G, R27G.
Identifiers: ClinVar variation 163416 (VCV000163416.22), dbSNP rs143477571, ClinGen allele CA176057.

ClinVar aggregate classification (germline): Benign. Review status: criteria provided, multiple submitters, no conflicts (2 of 4 stars). 6 submissions from 6 submitters: Benign (6). Last evaluated 2026-01-20.

Conditions:
Autosomal recessive nonsyndromic hearing loss 35. Identifiers: Orphanet 90636, MedGen C1837857, MONDO:0012060, OMIM 608565.

Allele frequency attached by ClinVar (database versions not stated): ESP Exome Variant Server 0.00031; gnomAD exomes 0.00123 and 0.00317; gnomAD 0.00137 and 0.00162; TOPMed 0.00190; ExAC 0.00331; 1000 Genomes Project 30x 0.00500; 1000 Genomes Project 0.00539.
gnomAD v4.1: 2,156 of 1,613,686 alleles (0.13%); highest among the groups gnomAD compares: East Asian, 4.2%; 44 homozygotes.

Submissions (6):

Labcorp Genetics (formerly Invitae), Labcorp
Classification: Benign. Last evaluated: 2026-01-20. Review status: criteria provided, single submitter. Criteria: Invitae Variant Classification Sherloc (09022015). Collection method: clinical testing. Allele origin: germline.

GeneDx
Classification: Benign. Last evaluated: 2017-10-03. Review status: criteria provided, single submitter. Criteria: GeneDx Variant Classification (06012015). Collection method: clinical testing. Allele origin: germline. Affected: yes.
Comment: This variant is considered likely benign or benign based on one or more of the following criteria: it is a conservative change, it occurs at a poorly conserved position in the protein, it is predicted to be benign by multiple in silico algorithms, and/or has population frequency not consistent with disease.

Illumina Laboratory Services, Illumina
Classification: Benign for Autosomal recessive nonsyndromic hearing loss 35. Last evaluated: 2017-04-27. Review status: criteria provided, single submitter. Criteria: ICSL Variant Classification Criteria 13 December 2019. Collection method: clinical testing. Allele origin: germline.
Comment: This variant was observed as part of a predisposition screen in an ostensibly healthy population. A literature search was performed for the gene, cDNA change, and amino acid change (where applicable). Publications were found based on this search. The evidence from the literature, in combination with allele frequency data from public databases where available, was sufficient to rule this variant out of causing disease. Therefore, this variant is classified as benign.

Eurofins Ntd Llc (ga)
Classification: Benign. Last evaluated: 2016-02-04. Review status: criteria provided, single submitter. Criteria: EGL Classification Definitions 2015. Collection method: clinical testing. Allele origin: germline. Observed: 1 variant allele, 1 homozygote.

Laboratory for Molecular Medicine, Mass General Brigham Personalized Medicine
Classification: Benign. Last evaluated: 2013-08-16. Review status: criteria provided, single submitter. Criteria: LMM Criteria. Collection method: clinical testing. Allele origin: germline. Observed: 9 variant alleles.
Comment: Arg6Gly in exon 4 of ESRRB: This variant is not expected to have clinical signif icance because it has been identified in 1.7% (10/572) of Asian chromosomes by t he 1000 Genomes Project (dbSNP rs143477571)

Breakthrough Genomics
Classification: Benign. Review status: criteria provided, single submitter. Criteria: ACMG Guidelines, 2015. Collection method: not provided. Allele origin: germline. Inheritance: Autosomal recessive inheritance. Affected: yes.

Literature cited by the submitters: PubMed 25342930 (cited by Illumina Laboratory Services, Illumina).